The following is an entry in ClinVar:

ClinVar aggregate classification (germline): Uncertain significance. Review status: criteria provided, multiple submitters, no conflicts (2 of 4 stars). 5 submissions from 5 submitters: Uncertain significance (5). Last evaluated 2025-06-01.

Conditions:
Pheochromocytoma/paraganglioma syndrome 2. Also called: SDHAF2-Related Hereditary Paraganglioma-Pheochromocytoma Syndrome; GLOMUS TUMORS, FAMILIAL, 2; Paragangliomas 2; SDHAF2-Related Hereditary Paraganglioma-Pheochromocytoma Syndrome (Paragangliomas 2). Identifiers: Orphanet 29072, MedGen C1866552, MONDO:0011121, OMIM 601650.
Hereditary cancer-predisposing syndrome. Also called: Tumor predisposition; Hereditary Cancer Syndrome; Hereditary neoplastic syndrome; Neoplastic Syndromes, Hereditary. Identifiers: Orphanet 140162, MedGen C0027672, MeSH D009386, MONDO:0015356.
Hereditary pheochromocytoma and paraganglioma. Also called: Hereditary paragangliomas and pheochromocytomas; Hereditary pheochromocytoma-paraganglioma; Hereditary Paraganglioma-Pheochromocytoma Syndromes. Identifiers: Orphanet 29072, MedGen C4274332, MONDO:0017366.

Allele frequency attached by ClinVar (database versions not stated): gnomAD exomes below 0.00001; gnomAD 0.00001.

Submissions (5):

GeneDx
Classification: Uncertain significance. Last evaluated: 2025-06-01. Review status: criteria provided, single submitter. Criteria: GeneDx Variant Classification Process June 2021. Collection method: clinical testing. Allele origin: germline. Affected: yes.
Comment: Not observed at significant frequency in large population cohorts (gnomAD); In silico analysis supports that this missense variant has a deleterious effect on protein structure/function; Has not been previously published as pathogenic or benign to our knowledge

All of Us Research Program, National Institutes of Health
Classification: Uncertain significance for Hereditary pheochromocytoma and paraganglioma. Last evaluated: 2024-08-06. Review status: criteria provided, single submitter. Criteria: ACMG Guidelines, 2015. Collection method: clinical testing. Allele origin: germline. Inheritance: Autosomal dominant inheritance. Observed: 1 variant allele, 1 heterozygote.
Comment: This study involves interpretation of variants in research participants for the purpose of population health screening. Participant phenotype was not available at the time of variant classification. Additional details can be found in publication PMID: 35346344, PMCID: PMC8962531

Labcorp Genetics (formerly Invitae), Labcorp
Classification: Uncertain significance for Hereditary pheochromocytoma and paraganglioma. Last evaluated: 2024-04-03. Review status: criteria provided, single submitter. Criteria: Invitae Variant Classification Sherloc (09022015). Collection method: clinical testing. Allele origin: germline.
Comment: This sequence change replaces methionine, which is neutral and non-polar, with lysine, which is basic and polar, at codon 137 of the SDHAF2 protein (p.Met137Lys). This variant is present in population databases (no rsID available, gnomAD 0.0009%). This variant has not been reported in the literature in individuals affected with SDHAF2-related conditions. ClinVar contains an entry for this variant (Variation ID: 651738). An algorithm developed to predict the effect of missense changes on protein structure and function (PolyPhen-2) suggests that this variant is likely to be disruptive. In summary, the available evidence is currently insufficient to determine the role of this variant in disease. Therefore, it has been classified as a Variant of Uncertain Significance.

Ambry Genetics
Classification: Uncertain significance for Hereditary cancer-predisposing syndrome. Last evaluated: 2023-08-04. Review status: criteria provided, single submitter. Criteria: Ambry Variant Classification Scheme 2023. Collection method: clinical testing. Allele origin: germline.
Comment: The p.M137K variant (also known as c.410T>A), located in coding exon 4 of the SDHAF2 gene, results from a T to A substitution at nucleotide position 410. The methionine at codon 137 is replaced by lysine, an amino acid with similar properties. This amino acid position is conserved. In addition, this alteration is predicted to be deleterious by in silico analysis. Since supporting evidence is limited at this time, the clinical significance of this alteration remains unclear.

Baylor Genetics
Classification: Uncertain significance for Pheochromocytoma/paraganglioma syndrome 2. Last evaluated: 2023-07-14. Review status: criteria provided, single submitter. Criteria: ACMG Guidelines, 2015. Collection method: clinical testing. Allele origin: unknown.

NM_017841.4(SDHAF2):c.410T>A (p.Met137Lys)

Gene: SDHAF2 (succinate dehydrogenase complex assembly factor 2; plus strand). Cytogenetic location: 11q12.2.
Variant type: single nucleotide variant.
Coding change: c.410T>A on transcript NM_017841.4 (MANE Select); coding-DNA position 410, T replaced by A.
Protein change: p.Met137Lys; replaces methionine 137 with lysine.
Molecular consequence: missense variant.
Genome position (GRCh38, 1-based): chr11:61,445,980, T>A. VCF-style: chr11-61445980-T-A. GRCh37 (hg19) VCF-style: chr11-61213452-T-A.
Other names: short protein forms M137K.
Identifiers: ClinVar variation 651738 (VCV000651738.13), dbSNP rs367574730, ClinGen allele CA380685327.